The following is an entry in ClinVar:

ClinVar aggregate classification (germline): Pathogenic (1 of 4 stars; one submission).

Conditions:
PRPH2-related disorder. Also called: PRPH2-related disorders; PRPH2-related condition. Identifiers: MedGen CN239395.

Submission:

Labcorp Genetics (formerly Invitae), Labcorp
Classification: Pathogenic for PRPH2-related disorder. Last evaluated: 2022-05-31. Review status: criteria provided, single submitter. Criteria: Invitae Variant Classification Sherloc (09022015). Collection method: clinical testing. Allele origin: germline.
Comment: For these reasons, this variant has been classified as Pathogenic. Retrotransposon insertions including LINE1 (L1), Alu, and SVA (SINE-VNTR-Alu) have been reported to be disease-causing through disruption of either a coding region or splice site (PMID: 19763152, 20307669, 22406018) and loss-of-function variants in PRPH2 are known to be pathogenic (PMID: 8111389, 8485575, 8485576, 8675410, 16916875, 17504850, 25675413, 26061163, 27365499, 29555955). Algorithms developed to predict the effect of sequence changes on RNA splicing suggest that this variant may disrupt the consensus splice site. This variant has not been reported in the literature in individuals affected with PRPH2-related conditions. This variant is not present in population databases (gnomAD no frequency). This sequence change inserts a large fragment of DNA, likely a transposable element, in exon 2 of the PRPH2 gene (c.601_602ins?), causing a frameshift at codon 200 (p.Val200fs). The exact size and sequence of the insertion cannot be determined by the current assay. However, the insertion is expected to result in an absent or disrupted protein product.

Literature cited by the submitters: PubMed 19763152; PubMed 20307669; PubMed 22406018; PubMed 8111389; PubMed 8485575; PubMed 8485576; PubMed 8675410; PubMed 16916875; PubMed 17504850; PubMed 25675413; PubMed 26061163; PubMed 27365499; PubMed 29555955.

NM_000322.5(PRPH2):c.601_602insGGCCCTCTCCCGTCTCCCTCTCCCTCTCCCGACTCCCACTCCCTCTCCCGTCTCCCTCACCCGCACCCGAAACCCACACCCGCTCCCTGATACAACTCCCTNNNNNNNNNNAAAAAAAAAAAAAAAAAAAAAAGAGCAACGTGG (p.Val200_Asp201insGlyProSerProValSerLeuSerLeuSerArgLeuProLeuProLeuProSerProSerProAlaProGluThrHisThrArgSerLeuIleGlnLeuProXaaXaaXaaXaaLysLysLysLysLysLysLysSerAsnVal)

Gene: PRPH2 (peripherin 2; minus strand). Cytogenetic location: 6p21.1.
Variant type: Insertion.
Coding change: c.601_602insGGCCCTCTCCCGTCTCCCTCTCCCTCTCCCGACTCCCACTCCCTCTCCCGTCTCCCTCACCCGCACCCGAAACCCACACCCGCTCCCTGATACAACTCCCTNNNNNNNNNNAAAAAAAAAAAAAAAAAAAAAAGAGCAACGTGG on transcript NM_000322.5 (MANE Select); coding-DNA positions 601 to 602, GGCCCTCTCCCGTCTCCCTCTCCCTCTCCCGACTCCCACTCCCTCTCCCGTCTCCCTCACCCGCACCCGAAACCCACACCCGCTCCCTGATACAACTCCCTNNNNNNNNNNAAAAAAAAAAAAAAAAAAAAAAGAGCAACGTGG inserted.
Protein change: p.Val200_Asp201insGlyProSerProValSerLeuSerLeuSerArgLeuProLeuProLeuProSerProSerProAlaProGluThrHisThrArgSerLeuIleGlnLeuProXaaXaaXaaXaaLysLysLysLysLysLysLysSerAsnVal.
Molecular consequence: inframe insertion.
Genome position: GRCh38: chr6:42,704,604-42,704,605. GRCh37 (hg19): chr6:42,672,342-42,672,343.
Identifiers: ClinVar variation 2001364 (VCV002001364.4), dbSNP rs2548300838.